The following is an entry in ClinVar:

NM_001009944.3(PKD1):c.9647A>G (p.Asn3216Ser)

Gene: PKD1 (polycystin 1, transient receptor potential channel interacting; minus strand). Cytogenetic location: 16p13.3.
Variant type: single nucleotide variant.
Coding change: c.9647A>G on transcript NM_001009944.3 (MANE Select); coding-DNA position 9647, A replaced by G.
Protein change: p.Asn3216Ser; replaces asparagine 3216 with serine.
Molecular consequence: missense variant.
Genome position (GRCh38, 1-based): chr16:2,100,231, T>C on the plus strand (A>G on the coding strand, the complement: PKD1 is on the minus strand). VCF-style: chr16-2100231-T-C. GRCh37 (hg19) VCF-style: chr16-2150232-T-C.
Other names: c.9647A>G, p.Asn3216Ser (NM_000296.4); c.9647A>G (NM_000296.3); short protein forms N3216S.
Identifiers: ClinVar variation 4537324 (VCV004537324.2).

ClinVar aggregate classification (germline): Uncertain significance. Review status: criteria provided, multiple submitters, no conflicts (2 of 4 stars). 2 submissions from 2 submitters: Uncertain significance (2). Last evaluated 2025-11-19.

Conditions:
Inborn genetic diseases. Identifiers: MedGen C0950123, MeSH D030342.

gnomAD v4.1: 8 of 1,610,548 alleles (0.0005%); highest among the groups gnomAD compares: South Asian, 0.0022%; no homozygotes.

Submissions (2):

Women's Health and Genetics/Laboratory Corporation of America, LabCorp
Classification: Uncertain significance. Last evaluated: 2025-11-19. Review status: criteria provided, single submitter. Criteria: LabCorp Variant Classification Summary - May 2015. Collection method: clinical testing. Allele origin: germline.
Comment: Variant summary: PKD1 c.9647A>G (p.Asn3216Ser) results in a conservative amino acid change in the encoded protein sequence. Algorithms developed to predict the effect of missense changes on protein structure and function are either unavailable or do not agree on the potential impact of this missense change. The variant was absent in 246640 control chromosomes. The available data on variant occurrences in the general population are insufficient to allow any conclusion about variant significance. To our knowledge, no occurrence of c.9647A>G in individuals affected with PKD1-related conditions and no experimental evidence demonstrating its impact on protein function have been reported. No submitters have cited clinical-significance assessments for this variant to ClinVar. Based on the evidence outlined above, the variant was classified as uncertain significance.

Ambry Genetics
Classification: Uncertain significance for Inborn genetic diseases. Last evaluated: 2025-10-07. Review status: criteria provided, single submitter. Criteria: Ambry Variant Classification Scheme 2023. Collection method: clinical testing. Allele origin: germline.